The following is an entry in ClinVar:

ClinVar aggregate classification (germline): Uncertain significance (1 of 4 stars; one submission).

Submission:

Labcorp Genetics (formerly Invitae), Labcorp
Classification: Uncertain significance. Last evaluated: 2025-11-17. Review status: criteria provided, single submitter. Criteria: Invitae Variant Classification Sherloc (09022015). Collection method: clinical testing. Allele origin: germline.
Comment: This sequence change replaces methionine, which is neutral and non-polar, with valine, which is neutral and non-polar, at codon 1655 of the VCAN protein (p.Met1655Val). This variant is not present in population databases (gnomAD no frequency). This variant has not been reported in the literature in individuals affected with VCAN-related conditions. ClinVar contains an entry for this variant (Variation ID: 1719011). An algorithm developed to predict the effect of missense changes on protein structure and function outputs the following: PolyPhen-2: "Benign". The valine amino acid residue is found in multiple mammalian species, which suggests that this missense change does not adversely affect protein function. In summary, the available evidence is currently insufficient to determine the role of this variant in disease. Therefore, it has been classified as a Variant of Uncertain Significance.

NM_004385.5(VCAN):c.4963A>G (p.Met1655Val)

Genes: VCAN (versican; plus strand), VCAN-AS1 (VCAN antisense RNA 1; minus strand). Cytogenetic location: 5q14.3.
Variant type: single nucleotide variant.
Coding change: c.4963A>G on transcript NM_004385.5 (MANE Select); coding-DNA position 4963, A replaced by G.
Protein change: p.Met1655Val; replaces methionine 1655 with valine.
Molecular consequence: missense variant. On other transcripts: intron variant (2).
Genome position (GRCh38, 1-based): chr5:83,537,966, A>G. VCF-style: chr5-83537966-A-G. GRCh37 (hg19) VCF-style: chr5-82833785-A-G.
Other names: c.2002A>G, p.Met668Val (NM_001164097.2); c.4004-7571A>G (NM_001164098.2); c.1043-7571A>G (NM_001126336.3); short protein forms M1655V, M668V.
Identifiers: ClinVar variation 1719011 (VCV001719011.5), dbSNP rs2479106020, ClinGen allele CA360309379.